The following is an entry in ClinVar:

ClinVar aggregate classification (germline): Pathogenic (1 of 4 stars; one submission).

Conditions:
RYR1-related disorder. Also called: RYR1-related condition; RYR1-related disorders. Identifiers: MedGen CN239331.

Submission:

Labcorp Genetics (formerly Invitae), Labcorp
Classification: Pathogenic for RYR1-related disorder. Last evaluated: 2025-12-19. Review status: criteria provided, single submitter. Criteria: Invitae Variant Classification Sherloc (09022015). Collection method: clinical testing. Allele origin: germline.
Comment: This sequence change creates a premature translational stop signal (p.Val486Serfs*2) in the RYR1 gene. It is expected to result in an absent or disrupted protein product. Loss-of-function variants in RYR1 are known to be pathogenic (PMID: 23919265, 25960145, 28818389, 30611313). This variant is not present in population databases (gnomAD no frequency). This variant has not been reported in the literature in individuals affected with RYR1-related conditions. For these reasons, this variant has been classified as Pathogenic.

Literature cited by the submitters: PubMed 23919265; PubMed 25960145; PubMed 28818389; PubMed 30611313.

NM_000540.3(RYR1):c.1456del (p.Val486fs)

Genes: RYR1 (ryanodine receptor 1; plus strand), LOC129391106 (MPRA-validated peak3472 silencer; plus strand). Cytogenetic location: 19q13.2.
Variant type: Deletion.
Coding change: c.1456del on transcript NM_000540.3 (MANE Select); coding-DNA position 1456, one base deleted (G; older notation c.1456delG).
Protein change: p.Val486fs; shifts the reading frame from valine 486.
Molecular consequence: frameshift variant.
Genome position (GRCh38, 1-based): chr19:38,455,250, G deleted; the last of 2 consecutive G bases (chr19:38,455,249-38,455,250); deleting either gives the same sequence. VCF-style (leftmost placement, unchanged base first): chr19-38455248-TG-T. GRCh37 (hg19) VCF-style: chr19-38945888-TG-T.
Other names: c.1456del, p.Val486fs (NM_001042723.2); short protein forms V486fs.
Identifiers: ClinVar variation 4810744 (VCV004810744.1).